The following is an entry in ClinVar:

ClinVar aggregate classification (germline): Pathogenic (1 of 4 stars; one submission).

Conditions:
Neurofibromatosis, type 1 (NF1). Also called: Peripheral type neurofibromatosis; VON RECKLINGHAUSEN DISEASE; NEUROFIBROMATOSIS, TYPE I, SOMATIC; Neurofibromatosis, type I. Identifiers: Orphanet 636, MedGen C0027831, MONDO:0018975, OMIM 162200. Disease mechanism: loss of function.

Submission:

Labcorp Genetics (formerly Invitae), Labcorp
Classification: Pathogenic for Neurofibromatosis, type 1. Last evaluated: 2024-07-15. Review status: criteria provided, single submitter. Criteria: Invitae Variant Classification Sherloc (09022015). Collection method: clinical testing. Allele origin: germline.
Comment: This sequence change creates a premature translational stop signal (p.Ile913Cysfs*2) in the NF1 gene. It is expected to result in an absent or disrupted protein product. Loss-of-function variants in NF1 are known to be pathogenic (PMID: 10712197, 23913538). This variant is not present in population databases (gnomAD no frequency). This variant has not been reported in the literature in individuals affected with NF1-related conditions. Algorithms developed to predict the effect of sequence changes on RNA splicing suggest that this variant may disrupt the consensus splice site. For these reasons, this variant has been classified as Pathogenic.

Literature cited by the submitters: PubMed 10712197; PubMed 23913538.

NM_001042492.3(NF1):c.2737_2747del (p.Ile913fs)

Gene: NF1 (neurofibromin 1; plus strand). Cytogenetic location: 17q11.2.
Variant type: Deletion.
Coding change: c.2737_2747del on transcript NM_001042492.3 (MANE Select); coding-DNA positions 2737 to 2747, 11 bases deleted (ATACGGACCAA).
Protein change: p.Ile913fs; shifts the reading frame from isoleucine 913.
Molecular consequence: frameshift variant.
Genome position (GRCh38, 1-based): chr17:31,229,352-31,229,362, ATACGGACCAA deleted; deleting any 11 consecutive bases within chr17:31,229,349-31,229,362 gives the same sequence; the c. name uses the placement nearest the transcript's 3' end. VCF-style (leftmost placement, unchanged base first): chr17-31229348-TCAAATACGGAC-T. GRCh37 (hg19) VCF-style: chr17-29556366-TCAAATACGGAC-T.
Other names: c.2737_2747delATACGGACCAA, p.Ile913Cysfs (NM_000267.4); short protein forms I913fs.
Identifiers: ClinVar variation 3659581 (VCV003659581.2).